The following is an entry in ClinVar:

ClinVar aggregate classification (germline): Uncertain significance (1 of 4 stars; one submission).

Submission:

Labcorp Genetics (formerly Invitae), Labcorp
Classification: Uncertain significance. Last evaluated: 2025-02-24. Review status: criteria provided, single submitter. Criteria: Invitae Variant Classification Sherloc (09022015). Collection method: clinical testing. Allele origin: germline.
Comment: This sequence change replaces arginine, which is basic and polar, with serine, which is neutral and polar, at codon 48 of the TNK2 protein (p.Arg48Ser). This variant is not present in population databases (gnomAD no frequency). This variant has not been reported in the literature in individuals affected with TNK2-related conditions. ClinVar contains an entry for this variant (Variation ID: 3006562). An algorithm developed to predict the effect of missense changes on protein structure and function (PolyPhen-2) suggests that this variant is likely to be tolerated. In summary, the available evidence is currently insufficient to determine the role of this variant in disease. Therefore, it has been classified as a Variant of Uncertain Significance.

NM_001382273.1(TNK2):c.-18-6669C>A

Gene: TNK2 (tyrosine kinase non receptor 2; minus strand). Cytogenetic location: 3q29.
Variant type: single nucleotide variant.
Coding change: c.-18-6669C>A on transcript NM_001382273.1 (MANE Select); 6669 bases into the intron before 18 bases upstream of the start codon, C replaced by A.
Molecular consequence: intron variant. On other transcripts: missense variant (4).
Genome position (GRCh38, 1-based): chr3:195,895,275, G>T on the plus strand (C>A on the coding strand, the complement: TNK2 is on the minus strand). VCF-style: chr3-195895275-G-T. GRCh37 (hg19) VCF-style: chr3-195622146-G-T.
Other names: c.25C>A, p.Arg9Ser (NM_001010938.2, NM_001382272.1, NM_001387708.1 and 1 more transcripts); c.-18-6669C>A (NM_001387720.1, NM_005781.5, NM_001386164.1 and 1 more transcripts); c.-19+1892C>A (NM_001387714.1); c.-19+1468C>A (NM_001387711.1); c.-19+778C>A (NM_001387721.1, NM_001387710.1); c.-19+620C>A (NM_001387719.1, NM_001387713.1, NM_001387712.1 and 2 more transcripts); short protein forms R9S.
Identifiers: ClinVar variation 3006562 (VCV003006562.3), dbSNP rs1209702298, ClinGen allele CA355586793.